The following is an entry in ClinVar:

NC_000002.11:g.(26726714_26739285)_(26741978_26750699)del

Gene: OTOF (otoferlin; minus strand). Cytogenetic location: 2p23.3.
Variant type: Deletion.
Identifiers: ClinVar variation 2445909 (VCV002445909.1).

ClinVar aggregate classification (germline): Likely pathogenic (1 of 4 stars; one submission).

Conditions:
Nonsyndromic genetic hearing loss. Also called: Nonsyndromic genetic deafness; Nonsyndromic hearing loss and deafness; Non-syndromic genetic deafness. Identifiers: Orphanet 87884, MedGen C5680182, MONDO:0019497.

Submission:

Women's Health and Genetics/Laboratory Corporation of America, LabCorp
Classification: Likely pathogenic for Nonsyndromic genetic hearing loss. Last evaluated: 2023-02-19. Review status: criteria provided, single submitter. Criteria: LabCorp Variant Classification Summary - May 2015. Collection method: clinical testing. Allele origin: germline.
Comment: Variant summary: The variant identified by MLPA or other technology involves the deletion of exons 4-5 in the OTOF gene. A presumed nomenclature of c.(227+1_228-1)_(509+1_510-1)del has been designated for the purposes of this classification. Although exact breakpoints of this deletion are not known, it is expected to result in a large in-frame deletion change in the OTOF gene, and affects the first C2 domain of the encoded protein (IPR000008). The variant was absent in 21694 control chromosomes in gnomAD database, structural variants data set. To our knowledge, no occurrence of c.(227+1_228-1)_(509+1_510-1)del in individuals affected with Nonsyndromic Hearing Loss And Deafness, Type 9 and no experimental evidence demonstrating its impact on protein function have been reported. No clinical diagnostic laboratories have submitted clinical-significance assessments for this variant to ClinVar after 2014. Missense variants in the overlapping deleted region (p.R82H, p.R69W) are reported in patients affected with hearing loss (PMID 31152317, PMID 34837038). Based on the evidence outlined above, the variant was classified as likely pathogenic.